The following is an entry in ClinVar:

ClinVar aggregate classification (germline): Conflicting classifications of pathogenicity. Review status: criteria provided, conflicting classifications (1 of 4 stars). 3 submissions from 3 submitters: Uncertain significance (2); Likely benign (1). Last evaluated 2025-11-05.

Conditions:
MYH9-related disorder. Identifiers: MedGen C1854520.

Allele frequency attached by ClinVar (database versions not stated): gnomAD exomes below 0.00001; TOPMed below 0.00001; ESP Exome Variant Server 0.00008.

Submissions (3):

PreventionGenetics, part of Exact Sciences
Classification: Uncertain significance for MYH9-related condition. Last evaluated: 2025-11-05. Review status: criteria provided, single submitter. Criteria: ACMG Guidelines, 2015. Collection method: clinical testing. Allele origin: germline.
Comment: The MYH9 c.4105A>G variant is predicted to result in the amino acid substitution p.Met1369Val. To our knowledge, this variant has not been reported in the literature. This variant is reported in 0.00089% of alleles in individuals of European (Non-Finnish) descent in gnomAD. At this time, the clinical significance of this variant is uncertain due to the absence of conclusive functional and genetic evidence.

Labcorp Genetics (formerly Invitae), Labcorp
Classification: Likely benign. Last evaluated: 2022-11-08. Review status: criteria provided, single submitter. Criteria: Invitae Variant Classification Sherloc (09022015). Collection method: clinical testing. Allele origin: germline.

Blueprint Genetics
Classification: Uncertain significance. Last evaluated: 2022-07-20. Review status: criteria provided, single submitter. Criteria: ACMG Guidelines, 2015. Collection method: clinical testing. Allele origin: germline.

NM_002473.6(MYH9):c.4105A>G (p.Met1369Val)

Gene: MYH9 (myosin heavy chain 9; minus strand). Cytogenetic location: 22q12.3.
Variant type: single nucleotide variant.
Coding change: c.4105A>G on transcript NM_002473.6 (MANE Select); coding-DNA position 4105, A replaced by G.
Protein change: p.Met1369Val; replaces methionine 1369 with valine.
Molecular consequence: missense variant.
Genome position (GRCh38, 1-based): chr22:36,292,225, T>C on the plus strand (A>G on the coding strand, the complement: MYH9 is on the minus strand). VCF-style: chr22-36292225-T-C. GRCh37 (hg19) VCF-style: chr22-36688271-T-C.
Other names: short protein forms M1369V.
Identifiers: ClinVar variation 2187483 (VCV002187483.6), dbSNP rs368982363, ClinGen allele CA323590485.
Genomic context (GRCh38, chr22:36,292,225, plus strand): 5'-TCCTCTTCACCTCCTCAGCAGTTTCCAGGCACCCCACACTGTCCTCCATCTTCTTTTTCA[T>C]GTCGGCCACCTGGGCAGGAGCAAGGAGTAAGCAGATGCCCGAGATGGCACCTGCTCAGGT-3'
Protein context (NP_002464.1, residues 1359-1379): IATLHAQVAD[Met1369Val]KKKMEDSVGC